The following is an entry in ClinVar:

NM_001365999.1(SZT2):c.2915C>T (p.Pro972Leu)

Gene: SZT2 (SZT2 subunit of KICSTOR complex; plus strand). Cytogenetic location: 1p34.2.
Variant type: single nucleotide variant.
Coding change: c.2915C>T on transcript NM_001365999.1 (MANE Select); coding-DNA position 2915, C replaced by T.
Protein change: p.Pro972Leu; replaces proline 972 with leucine.
Molecular consequence: missense variant.
Genome position (GRCh38, 1-based): chr1:43,425,935, C>T. VCF-style: chr1-43425935-C-T. GRCh37 (hg19) VCF-style: chr1-43891606-C-T.
Other names: c.2915C>T, p.Pro972Leu (NM_015284.4); short protein forms P972L.
Identifiers: ClinVar variation 934297 (VCV000934297.9), dbSNP rs139474741, ClinGen allele CA808842.

ClinVar aggregate classification (germline): Uncertain significance. Review status: criteria provided, multiple submitters, no conflicts (2 of 4 stars). 4 submissions from 4 submitters: Uncertain significance (4). Last evaluated 2023-04-11.

Conditions:
Inborn genetic diseases. Identifiers: MedGen C0950123, MeSH D030342.
Developmental and epileptic encephalopathy, 18 (DEE18). Also called: Early infantile epileptic encephalopathy 18. Identifiers: Orphanet 369894, MedGen C3809624, MONDO:0014201, OMIM 615476.

Allele frequency attached by ClinVar (database versions not stated): ExAC 0.00002; gnomAD exomes 0.00006; TOPMed 0.00008; gnomAD 0.00009 and 0.00010; 1000 Genomes Project 30x 0.00016; 1000 Genomes Project 0.00020.
gnomAD v4.1: 119 of 1,614,066 alleles (0.0074%); highest among the groups gnomAD compares: Non-Finnish European, 0.0099%; no homozygotes.

Submissions (4):

Genome-Nilou Lab
Classification: Uncertain significance for Developmental and epileptic encephalopathy, 18. Last evaluated: 2023-04-11. Review status: criteria provided, single submitter. Criteria: ACMG Guidelines, 2015. Collection method: clinical testing. Allele origin: germline. Affected: no.

Labcorp Genetics (formerly Invitae), Labcorp
Classification: Uncertain significance. Last evaluated: 2022-08-09. Review status: criteria provided, single submitter. Criteria: Invitae Variant Classification Sherloc (09022015). Collection method: clinical testing. Allele origin: germline.
Comment: This sequence change replaces proline, which is neutral and non-polar, with leucine, which is neutral and non-polar, at codon 972 of the SZT2 protein (p.Pro972Leu). This variant is present in population databases (rs139474741, gnomAD 0.01%). This variant has not been reported in the literature in individuals affected with SZT2-related conditions. ClinVar contains an entry for this variant (Variation ID: 934297). Algorithms developed to predict the effect of missense changes on protein structure and function output the following: SIFT: "Tolerated"; PolyPhen-2: "Benign"; Align-GVGD: "Class C15". The leucine amino acid residue is found in multiple mammalian species, which suggests that this missense change does not adversely affect protein function. In summary, the available evidence is currently insufficient to determine the role of this variant in disease. Therefore, it has been classified as a Variant of Uncertain Significance.

Ambry Genetics
Classification: Uncertain significance for Inborn genetic diseases. Last evaluated: 2021-08-02. Review status: criteria provided, single submitter. Criteria: Ambry Variant Classification Scheme 2023. Collection method: clinical testing. Allele origin: germline.

GeneDx
Classification: Uncertain significance. Last evaluated: 2020-04-20. Review status: criteria provided, single submitter. Criteria: GeneDx Variant Classification Process June 2021. Collection method: clinical testing. Allele origin: germline. Affected: yes.
Comment: Not observed at a significant frequency in large population cohorts (Lek et al., 2016); In silico analysis supports that this missense variant does not alter protein structure/function; Has not been previously published as pathogenic or benign to our knowledge